The following is an entry in ClinVar:

NM_001440.4(EXTL3):c.441C>T (p.Ala147=)

Gene: EXTL3 (exostosin like glycosyltransferase 3; plus strand). Cytogenetic location: 8p21.1.
Variant type: single nucleotide variant.
Coding change: c.441C>T on transcript NM_001440.4 (MANE Select); coding-DNA position 441, C replaced by T.
Protein change: p.Ala147=; no amino-acid change (alanine 147 retained).
Molecular consequence: synonymous variant.
Genome position (GRCh38, 1-based): chr8:28,716,500, C>T. VCF-style: chr8-28716500-C-T. GRCh37 (hg19) VCF-style: chr8-28574017-C-T.
Other names: c.441C>T, p.Ala147= (NM_001437797.1, NM_001438399.1, NM_001438400.1 and 4 more transcripts).
Identifiers: ClinVar variation 4534406 (VCV004534406.6).
Genomic context (GRCh38, chr8:28,716,500, plus strand): 5'-CCTGCTCCAGCTCAAGAATGTCATCAGCCAGACCGAGCATTCCTACAAGGAGCTCATGGC[C>T]CAGAACCAGCCCAAGCTGTCCCTGCCCATCCGACTGCTCCCAGAGAAGGACGATGCCGGC-3'
Protein context (NP_001431.1, residues 137-157): QTEHSYKELM[Ala147=]QNQPKLSLPI

ClinVar aggregate classification (germline): Likely benign (1 of 4 stars; one submission).

gnomAD v4.1: 3 of 1,614,014 alleles (0.00019%); highest among the groups gnomAD compares: South Asian, 0.0022%; no homozygotes.

Submission:

CeGaT Center for Human Genetics Tuebingen
Classification: Likely benign. Last evaluated: 2025-12-01. Review status: criteria provided, single submitter. Criteria: CeGaT Center For Human Genetics Tuebingen Variant Classification Criteria Version 2. Collection method: clinical testing. Allele origin: germline. Affected: yes. Observed: 1 variant allele.
Comment: EXTL3: BP4, BP7